The following is an entry in ClinVar:

ClinVar aggregate classification (germline): Benign (1 of 4 stars; one submission).

Conditions:
Familial adenomatous polyposis 1 (FAP1). Also called: POLYPOSIS, ADENOMATOUS INTESTINAL; FAMILIAL ADENOMATOUS POLYPOSIS 1, ATTENUATED. Identifiers: MedGen C2713442, MONDO:0021056, OMIM 175100. Disease mechanism: loss of function.

Submission:

Myriad Genetics, Inc.
Classification: Benign for Familial adenomatous polyposis 1. Last evaluated: 2024-02-23. Review status: criteria provided, single submitter. Criteria: Myriad Autosomal Dominant, Autosomal Recessive and X-Linked Classification Criteria (2023). Collection method: clinical testing. Allele origin: unknown.
Comment: This variant is considered benign. This variant is a silent/synonymous amino acid change and it is not expected to impact splicing.

NM_000038.6(APC):c.603A>G (p.Glu201=)

Gene: APC (APC regulator of Wnt signaling pathway; plus strand). Cytogenetic location: 5q22.2.
Variant type: single nucleotide variant.
Coding change: c.603A>G on transcript NM_000038.6 (MANE Select); coding-DNA position 603, A replaced by G.
Protein change: p.Glu201=; no amino-acid change (glutamic acid 201 retained).
Molecular consequence: synonymous variant. On other transcripts: 5 prime UTR variant (4), non-coding transcript variant (2).
Genome position (GRCh38, 1-based): chr5:112,780,861, A>G. VCF-style: chr5-112780861-A-G. GRCh37 (hg19) VCF-style: chr5-112116558-A-G.
Other names: c.603A>G, p.Glu201= (NM_001127510.3, NM_001354895.2, NM_001354896.2 and 16 more transcripts); c.633A>G, p.Glu211= (NM_001127511.3, NM_001354897.2, NM_001354902.2 and 1 more transcripts); c.528A>G, p.Glu176= (NM_001354898.2, NM_001354904.2, NM_001407451.1); c.426A>G, p.Glu142= (NM_001354900.2, NM_001354901.2, NM_001354905.2 and 1 more transcripts); c.-433A>G (NM_001354906.2, NM_001407470.1, NM_001407471.1 and 1 more transcripts).
Identifiers: ClinVar variation 3148332 (VCV003148332.1), dbSNP rs2149640301, ClinGen allele CA445755511.
Genomic context (GRCh38, chr5:112,780,861, plus strand): 5'-AACAGATATGACCAGAAGGCAATTGGAATATGAAGCAAGGCAAATCAGAGTTGCGATGGA[A>G]GAACAACTAGGTACCTGCCAGGATATGGAAAAACGAGCACAGGTAAGTTACTTGTTTCTA-3'
Protein context (NP_000029.2, residues 191-211): YEARQIRVAM[Glu201=]EQLGTCQDME